The following is an entry in ClinVar:

ClinVar aggregate classification (germline): Uncertain significance (1 of 4 stars; one submission).

Conditions:
Primary familial hypertrophic cardiomyopathy (HCM). Identifiers: Orphanet 99739, MedGen C0949658, MeSH D024741, MONDO:0024573. Inheritance: Various modes of inheritance.
Dilated cardiomyopathy 1AA (CMD1AA). Also called: Cardiomyopathy, dilated, 1AA, with or without LVNC; CARDIOMYOPATHY, DILATED, 1AA, WITH OR WITHOUT LEFT VENTRICULAR NONCOMPACTION; CARDIOMYOPATHY, FAMILIAL HYPERTROPHIC, 23, WITH OR WITHOUT LEFT VENTRICULAR NONCOMPACTION. Identifiers: Orphanet 154, MedGen C2677338, MONDO:0012808, OMIM 612158.

gnomAD v4.1: 1 of 1,614,186 alleles (0.000062%); no homozygotes.

Submission:

Labcorp Genetics (formerly Invitae), Labcorp
Classification: Uncertain significance for Primary familial hypertrophic cardiomyopathy; Dilated cardiomyopathy 1AA. Last evaluated: 2024-10-07. Review status: criteria provided, single submitter. Criteria: Invitae Variant Classification Sherloc (09022015). Collection method: clinical testing. Allele origin: germline.
Comment: This sequence change replaces asparagine, which is neutral and polar, with aspartic acid, which is acidic and polar, at codon 736 of the ACTN2 protein (p.Asn736Asp). This variant is not present in population databases (gnomAD no frequency). This variant has not been reported in the literature in individuals affected with ACTN2-related conditions. Invitae Evidence Modeling of protein sequence and biophysical properties (such as structural, functional, and spatial information, amino acid conservation, physicochemical variation, residue mobility, and thermodynamic stability) indicates that this missense variant is expected to disrupt ACTN2 protein function with a positive predictive value of 80%. In summary, the available evidence is currently insufficient to determine the role of this variant in disease. Therefore, it has been classified as a Variant of Uncertain Significance.

NM_001103.4(ACTN2):c.2206A>G (p.Asn736Asp)

Gene: ACTN2 (actinin alpha 2; plus strand). Cytogenetic location: 1q43.
Variant type: single nucleotide variant.
Coding change: c.2206A>G on transcript NM_001103.4 (MANE Select); coding-DNA position 2206, A replaced by G.
Protein change: p.Asn736Asp; replaces asparagine 736 with aspartic acid.
Molecular consequence: missense variant. On other transcripts: non-coding transcript variant (1).
Genome position (GRCh38, 1-based): chr1:236,757,537, A>G. VCF-style: chr1-236757537-A-G. GRCh37 (hg19) VCF-style: chr1-236920837-A-G.
Other names: c.2206A>G, p.Asn736Asp (NM_001278343.2); short protein forms N736D.
Identifiers: ClinVar variation 3748725 (VCV003748725.2).